The following is an entry in ClinVar:

NM_014727.3(KMT2B):c.4363C>T (p.Arg1455Cys)

Gene: KMT2B (lysine methyltransferase 2B; plus strand). Cytogenetic location: 19q13.12.
Variant type: single nucleotide variant.
Coding change: c.4363C>T on transcript NM_014727.3 (MANE Select); coding-DNA position 4363, C replaced by T.
Protein change: p.Arg1455Cys; replaces arginine 1455 with cysteine.
Molecular consequence: missense variant.
Genome position (GRCh38, 1-based): chr19:35,727,758, C>T. VCF-style: chr19-35727758-C-T. GRCh37 (hg19) VCF-style: chr19-36218659-C-T.
Other names: c.4363C>T (NM_014727.2); short protein forms R1455C.
Identifiers: ClinVar variation 521847 (VCV000521847.7), dbSNP rs1555731093, ClinGen allele CA405413729.

ClinVar aggregate classification (germline): Uncertain significance. Review status: criteria provided, multiple submitters, no conflicts (2 of 4 stars). 2 submissions from 2 submitters: Uncertain significance (2). Last evaluated 2022-07-26.

Conditions:
Inborn genetic diseases. Identifiers: MedGen C0950123, MeSH D030342.

Allele frequency attached by ClinVar (database versions not stated): gnomAD exomes below 0.00001.
gnomAD v4.1: 2 of 1,613,870 alleles (0.00012%); highest among the groups gnomAD compares: Non-Finnish European, 0.00017%; no homozygotes.

Submissions (2):

GeneDx
Classification: Uncertain significance. Last evaluated: 2022-07-26. Review status: criteria provided, single submitter. Criteria: GeneDx Variant Classification Process June 2021. Collection method: clinical testing. Allele origin: germline. Affected: yes.
Comment: Not observed at significant frequency in large population cohorts (gnomAD); In silico analysis supports that this missense variant has a deleterious effect on protein structure/function; Has not been previously published as pathogenic or benign to our knowledge

Ambry Genetics
Classification: Uncertain significance for Inborn genetic diseases. Last evaluated: 2017-07-20. Review status: criteria provided, single submitter. Criteria: Ambry exome assertion method (8-5-2015). Collection method: clinical testing. Allele origin: germline. Affected: yes. Observed: 1 variant allele.